The following is an entry in ClinVar:

NM_003982.4(SLC7A7):c.545dup (p.Val183fs)

Gene: SLC7A7 (solute carrier family 7 member 7; minus strand). Cytogenetic location: 14q11.2.
Variant type: Duplication.
Coding change: c.545dup on transcript NM_003982.4 (MANE Select); coding-DNA position 545, one base duplicated (T; older notation c.545dupT).
Protein change: p.Val183fs; shifts the reading frame from valine 183.
Molecular consequence: frameshift variant.
Genome position (GRCh38, 1-based): chr14:22,780,006, A duplicated on the plus strand (T on the coding strand, the reverse complement: SLC7A7 is on the minus strand). VCF-style (leftmost placement, unchanged base first): chr14-22780005-C-CA. GRCh37 (hg19) VCF-style: chr14-23249214-C-CA.
Other names: c.545dupT (NM_001126105.2, NM_001126106.2); c.545dup, p.Val183fs (NM_001126105.3, NM_001126106.4); short protein forms V183fs.
Identifiers: ClinVar variation 56370 (VCV000056370.21), dbSNP rs386833818, ClinGen allele CA263824.

ClinVar aggregate classification (germline): Pathogenic. Review status: criteria provided, multiple submitters, no conflicts (2 of 4 stars). 6 submissions from 6 submitters: Pathogenic (5). 1 of the submissions does not count toward it. Last evaluated 2025-01-14.

Conditions:
SLC7A7-related disorder. Also called: SLC7A7-related condition.
Lysinuric protein intolerance (LPI). Identifiers: Orphanet 470, MedGen C0268647, MONDO:0009109, OMIM 222700.

Allele frequency attached by ClinVar (database versions not stated): TOPMed 0.00001; gnomAD exomes 0.00002 and 0.00001; ExAC 0.00002.

Submissions (6):

Natera, Inc.
Classification: Pathogenic for Lysinuric protein intolerance. Last evaluated: 2025-01-14. Review status: criteria provided, single submitter. Criteria: Natera Variant Classification Schema (03/2026). Collection method: clinical testing. Allele origin: germline.
Comment: The c.545dupT variant in SLC7A7 is a frameshift variant predicted to shift the reading frame beginning at codon 183 and leads to a stop codon 9 codons downstream. This variant is expected to result in nonsense mediated decay, truncation, or a dysfunctional protein product. This variant is rare in the general population with a frequency below the threshold expected for the associated phenotype(s). This variant has been observed to segregate in affected family members (PMID: 10631139). Given the available evidence, this variant is classified as Pathogenic.

Blueprint Genetics
Classification: Pathogenic for SLC7A7-related disorders. Last evaluated: 2024-08-23. Review status: criteria provided, single submitter. Criteria: ACMG Guidelines, 2015. Collection method: clinical testing. Allele origin: germline. Affected: yes. Observed: 3 variant alleles.

Labcorp Genetics (formerly Invitae), Labcorp
Classification: Pathogenic for Lysinuric protein intolerance. Last evaluated: 2024-02-14. Review status: criteria provided, single submitter. Criteria: Invitae Variant Classification Sherloc (09022015). Collection method: clinical testing. Allele origin: germline.
Comment: This sequence change creates a premature translational stop signal (p.Val183Glyfs*9) in the SLC7A7 gene. It is expected to result in an absent or disrupted protein product. Loss-of-function variants in SLC7A7 are known to be pathogenic (PMID: 10631139, 17764084). This variant is present in population databases (rs386833818, gnomAD 0.005%). This premature translational stop signal has been observed in individual(s) with lysinuric protein intolerance (PMID: 10631139, 30054302). This variant is also known as 786insT. ClinVar contains an entry for this variant (Variation ID: 56370). For these reasons, this variant has been classified as Pathogenic.

Genome-Nilou Lab
Classification: Pathogenic for Lysinuric protein intolerance. Last evaluated: 2021-11-07. Review status: criteria provided, single submitter. Criteria: ACMG Guidelines, 2015. Collection method: clinical testing. Allele origin: germline. Affected: no.

Fulgent Genetics
Classification: Pathogenic for Lysinuric protein intolerance. Last evaluated: 2021-06-30. Review status: criteria provided, single submitter. Criteria: ACMG Guidelines, 2015. Collection method: clinical testing. Allele origin: unknown.
Comment: This variant has been detected in individual(s) who were sent for testing of Renasight - kidney gene panel.

Juha Muilu Group; Institute for Molecular Medicine Finland (FIMM)
Classification: Likely pathogenic for Lysinuric protein intolerance. Review status: no assertion criteria provided. Collection method: not provided. Allele origin: unknown. Not counted in ClinVar's aggregate classification.
Comment: FinDis database variant: This variant was not found or characterized by our laboratory, data were collected from public sources: see reference
ClinVar note: Converted during submission from probable-pathogenic to Likely pathogenic.

Literature cited by the submitters: PubMed 10631139 (cited by Natera, Inc. and Labcorp Genetics (formerly Invitae), Labcorp); PubMed 17764084 (cited by Labcorp Genetics (formerly Invitae), Labcorp); PubMed 30054302 (cited by Labcorp Genetics (formerly Invitae), Labcorp).